The following is an entry in ClinVar:

ClinVar aggregate classification (germline): Benign/Likely benign. Review status: criteria provided, multiple submitters, no conflicts (2 of 4 stars). 11 submissions from 11 submitters: Benign (1); Likely benign (10). Last evaluated 2026-05-21.

Conditions:
Connective tissue disorder. Also called: Connective tissue disease. Identifiers: MedGen C0009782, MONDO:0003900.

Allele frequency attached by ClinVar (database versions not stated): ESP Exome Variant Server 0.00262; gnomAD exomes 0.00312 and 0.00217; 1000 Genomes Project 0.00040; 1000 Genomes Project 30x 0.00047; TOPMed 0.00209; gnomAD 0.00231 and 0.00235; ExAC 0.00235.
gnomAD v4.1: 4,887 of 1,612,796 alleles (0.3%); highest among the groups gnomAD compares: Non-Finnish European, 0.36%; 10 homozygotes.

Submissions (11):

Women's Health and Genetics/Laboratory Corporation of America, LabCorp
Classification: Likely benign. Last evaluated: 2026-05-21. Review status: criteria provided, single submitter. Criteria: LabCorp Variant Classification Summary - May 2015. Collection method: clinical testing. Allele origin: germline.
Comment: Variant summary: COL9A3 c.755G>A (p.Arg252Gln) results in a conservative amino acid change in the encoded protein sequence. Algorithms developed to predict the effect of missense changes on protein structure and function are either unavailable or do not agree on the potential impact of this missense change. The variant allele was found at a frequency of 0.0022 in 248894 control chromosomes, predominantly at a frequency of 0.0034 within the Non-Finnish European subpopulation in the gnomAD database, including 1 homozygote. The observed variant frequency within Non-Finnish European control individuals in the gnomAD database exceeds the estimated maximal expected allele frequency for disease-causing variants in COL9A3. To our knowledge, no occurrence of c.755G>A in individuals affected with COL9A3-related conditions and no experimental evidence demonstrating its impact on protein function have been reported. ClinVar contains an entry for this variant (Variation ID: 258432). Based on the evidence outlined above, the variant was classified as likely benign.

Labcorp Genetics (formerly Invitae), Labcorp
Classification: Likely benign. Last evaluated: 2026-02-01. Review status: criteria provided, single submitter. Criteria: Invitae Variant Classification Sherloc (09022015). Collection method: clinical testing. Allele origin: germline.

CeGaT Center for Human Genetics Tuebingen
Classification: Likely benign. Last evaluated: 2025-08-01. Review status: criteria provided, single submitter. Criteria: CeGaT Center For Human Genetics Tuebingen Variant Classification Criteria Version 2. Collection method: clinical testing. Allele origin: germline. Affected: yes. Observed: 4 variant alleles.
Comment: COL9A3: BS2

Blueprint Genetics
Classification: Likely benign. Last evaluated: 2024-11-22. Review status: criteria provided, single submitter. Criteria: ACMG Guidelines, 2015. Collection method: clinical testing. Allele origin: germline.

ARUP Laboratories, Molecular Genetics and Genomics, ARUP Laboratories
Classification: Likely benign. Last evaluated: 2023-10-26. Review status: criteria provided, single submitter. Criteria: ARUP Molecular Germline Variant Investigation Process 2024. Collection method: clinical testing. Allele origin: germline.

GeneDx
Classification: Likely benign. Last evaluated: 2020-11-23. Review status: criteria provided, single submitter. Criteria: GeneDx Variant Classification Process June 2021. Collection method: clinical testing. Allele origin: germline. Affected: yes.

Genome Diagnostics Laboratory, The Hospital for Sick Children
Classification: Likely benign for Connective tissue disorder. Last evaluated: 2020-01-01. Review status: criteria provided, single submitter. Criteria: ACMG Guidelines, 2015. Collection method: clinical testing. Allele origin: germline.

Athena Diagnostics
Classification: Benign. Last evaluated: 2019-03-21. Review status: criteria provided, single submitter. Criteria: Athena Diagnostics Criteria. Collection method: clinical testing. Allele origin: germline.

Eurofins Ntd Llc (ga)
Classification: Likely benign. Last evaluated: 2017-03-22. Review status: criteria provided, single submitter. Criteria: EGL Classification Definitions 2015. Collection method: clinical testing. Allele origin: germline. Observed: 1 variant allele, 1 heterozygote.

Breakthrough Genomics
Classification: Likely benign. Review status: criteria provided, single submitter. Criteria: ACMG Guidelines, 2015. Collection method: not provided. Allele origin: germline. Inheritance: Autosomal recessive inheritance. Affected: yes.

PreventionGenetics, part of Exact Sciences
Classification: Likely benign. Review status: criteria provided, single submitter. Criteria: ACMG Guidelines, 2015. Collection method: clinical testing. Allele origin: germline.

NM_001853.4(COL9A3):c.755G>A (p.Arg252Gln)

Gene: COL9A3 (collagen type IX alpha 3 chain; plus strand). Cytogenetic location: 20q13.33.
Variant type: single nucleotide variant.
Coding change: c.755G>A on transcript NM_001853.4 (MANE Select); coding-DNA position 755, G replaced by A.
Protein change: p.Arg252Gln; replaces arginine 252 with glutamine.
Molecular consequence: missense variant.
Genome position (GRCh38, 1-based): chr20:62,826,783, G>A. VCF-style: chr20-62826783-G-A. GRCh37 (hg19) VCF-style: chr20-61458135-G-A.
Other names: c.755G>A, p.Arg252Gln (LRG_1253t1); short protein forms R252Q.
Identifiers: ClinVar variation 258432 (VCV000258432.50), dbSNP rs139573483, ClinGen allele CA9949481.